The following is an entry in ClinVar:

ClinVar aggregate classification (germline): Uncertain significance (1 of 4 stars; one submission).

Conditions:
Charcot-Marie-Tooth disease axonal type 2Z. Also called: CHARCOT-MARIE-TOOTH DISEASE, AXONAL, AUTOSOMAL DOMINANT, TYPE 2Z; CHARCOT-MARIE-TOOTH NEUROPATHY, TYPE 2Z. Identifiers: Orphanet 466768, MedGen C5569025, MONDO:0014736, OMIM 616688.

gnomAD v4.1: 2 of 1,613,072 alleles (0.00012%); highest among the groups gnomAD compares: Admixed American, 0.0017%; no homozygotes.

Submission:

Labcorp Genetics (formerly Invitae), Labcorp
Classification: Uncertain significance for Charcot-Marie-Tooth disease axonal type 2Z. Last evaluated: 2025-06-11. Review status: criteria provided, single submitter. Criteria: Invitae Variant Classification Sherloc (09022015). Collection method: clinical testing. Allele origin: germline.
Comment: This sequence change replaces proline, which is neutral and non-polar, with leucine, which is neutral and non-polar, at codon 531 of the MORC2 protein (p.Pro531Leu). This variant is present in population databases (no rsID available, gnomAD 0.006%). This variant has not been reported in the literature in individuals affected with MORC2-related conditions. Invitae Evidence Modeling of protein sequence and biophysical properties (such as structural, functional, and spatial information, amino acid conservation, physicochemical variation, residue mobility, and thermodynamic stability) has been performed for this missense variant. However, the output from this modeling did not meet the statistical confidence thresholds required to predict the impact of this variant on MORC2 protein function. In summary, the available evidence is currently insufficient to determine the role of this variant in disease. Therefore, it has been classified as a Variant of Uncertain Significance.

NM_001303256.3(MORC2):c.1592C>T (p.Pro531Leu)

Gene: MORC2 (MORC family CW-type zinc finger 2; minus strand). Cytogenetic location: 22q12.2.
Variant type: single nucleotide variant.
Coding change: c.1592C>T on transcript NM_001303256.3 (MANE Select); coding-DNA position 1592, C replaced by T.
Protein change: p.Pro531Leu; replaces proline 531 with leucine.
Molecular consequence: missense variant.
Genome position (GRCh38, 1-based): chr22:30,936,944, G>A on the plus strand (C>T on the coding strand, the complement: MORC2 is on the minus strand). VCF-style: chr22-30936944-G-A. GRCh37 (hg19) VCF-style: chr22-31332931-G-A.
Other names: c.1592C>T, p.Pro531Leu (NM_001303257.2); c.1406C>T, p.Pro469Leu (NM_014941.3); short protein forms P469L, P531L.
Identifiers: ClinVar variation 4754609 (VCV004754609.1).